The following is an entry in ClinVar:

NM_017934.7(PHIP):c.2731T>C (p.Ser911Pro)

Gene: PHIP (PHIP subunit of CUL4-Ring ligase complex; minus strand). Cytogenetic location: 6q14.1.
Variant type: single nucleotide variant.
Coding change: c.2731T>C on transcript NM_017934.7 (MANE Select); coding-DNA position 2731, T replaced by C.
Protein change: p.Ser911Pro; replaces serine 911 with proline.
Molecular consequence: missense variant.
Genome position (GRCh38, 1-based): chr6:78,982,924, A>G on the plus strand (T>C on the coding strand, the complement: PHIP is on the minus strand). VCF-style: chr6-78982924-A-G. GRCh37 (hg19) VCF-style: chr6-79692641-A-G.
Other names: short protein forms S911P.
Identifiers: ClinVar variation 4975498 (VCV004975498.1).

ClinVar aggregate classification (germline): Uncertain significance (1 of 4 stars; one submission).

Submission:

GeneDx
Classification: Uncertain significance. Last evaluated: 2026-01-24. Review status: criteria provided, single submitter. Criteria: GeneDx Variant Classification Process June 2021. Collection method: clinical testing. Allele origin: germline.
Comment: Not observed at significant frequency in large population cohorts (gnomAD); In silico analysis suggests that this missense variant does not alter protein structure/function; Has not been previously published as pathogenic or benign to our knowledge